The following is an entry in ClinVar:

NM_001384900.1(SEMA3D):c.1594C>G (p.His532Asp)

Gene: SEMA3D (semaphorin 3D; minus strand). Cytogenetic location: 7q21.11.
Variant type: single nucleotide variant.
Coding change: c.1594C>G on transcript NM_001384900.1 (MANE Select); coding-DNA position 1594, C replaced by G.
Protein change: p.His532Asp; replaces histidine 532 with aspartic acid.
Molecular consequence: missense variant.
Genome position (GRCh38, 1-based): chr7:85,015,168, G>C on the plus strand (C>G on the coding strand, the complement: SEMA3D is on the minus strand). VCF-style: chr7-85015168-G-C. GRCh37 (hg19) VCF-style: chr7-84644484-G-C.
Other names: c.1594C>G, p.His532Asp (NM_001384901.1, NM_001384902.1, NM_001384903.1 and 1 more transcripts); short protein forms H532D.
Identifiers: ClinVar variation 4994096 (VCV004994096.1).

ClinVar aggregate classification (germline): Uncertain significance (1 of 4 stars; one submission).

Conditions:
SEMA3D-related disorder. Also called: SEMA3D-related condition.

gnomAD v4.1: 2 of 1,611,800 alleles (0.00012%); highest among the groups gnomAD compares: Non-Finnish European, 0.00017%; no homozygotes.

Submission:

PreventionGenetics, part of Exact Sciences
Classification: Uncertain significance for SEMA3D-related condition. Last evaluated: 2025-10-10. Review status: criteria provided, single submitter. Criteria: ACMG Guidelines, 2015. Collection method: clinical testing. Allele origin: germline.
Comment: The SEMA3D c.1594C>G variant is predicted to result in the amino acid substitution p.His532Asp. To our knowledge, this variant has not been reported in the literature. This variant is reported in 0.00089% of alleles in individuals of European (Non-Finnish) descent in gnomAD. At this time, the clinical significance of this variant is uncertain due to the absence of conclusive functional and genetic evidence.